The following is an entry in ClinVar:

NM_001042492.3(NF1):c.4004del (p.Asn1335fs)

Gene: NF1 (neurofibromin 1; plus strand). Cytogenetic location: 17q11.2.
Variant type: Deletion.
Coding change: c.4004del on transcript NM_001042492.3 (MANE Select); coding-DNA position 4004, one base deleted (A; older notation c.4004delA).
Protein change: p.Asn1335fs; shifts the reading frame from asparagine 1335.
Molecular consequence: frameshift variant.
Genome position (GRCh38, 1-based): chr17:31,249,013, A deleted; the last of 4 consecutive A bases (chr17:31,249,010-31,249,013); deleting any one gives the same sequence. VCF-style (leftmost placement, unchanged base first): chr17-31249009-GA-G. GRCh37 (hg19) VCF-style: chr17-29576027-GA-G.
Other names: c.4004delA (NM_000267.3); c.4004delA, p.Asn1335Thrfs (NM_000267.4); short protein forms N1335fs.
Identifiers: ClinVar variation 1736957 (VCV001736957.3), dbSNP rs2067448379, ClinGen allele CA2580092819.

ClinVar aggregate classification (germline): Pathogenic. Review status: criteria provided, single submitter (1 of 4 stars). 2 submissions from 2 submitters: Pathogenic (1). 1 of the submissions does not count toward it. Last evaluated 2022-09-12.

Conditions:
Hereditary cancer-predisposing syndrome. Also called: Neoplastic Syndromes, Hereditary; Tumor predisposition; Hereditary Cancer Syndrome; Hereditary neoplastic syndrome. Identifiers: Orphanet 140162, MedGen C0027672, MeSH D009386, MONDO:0015356.
Cardiovascular phenotype. Identifiers: MedGen CN230736.
NF1-related disorder. Also called: NF1-related condition. Identifiers: MedGen CN379171.

Submissions (2):

Ambry Genetics
Classification: Pathogenic for Cardiovascular phenotype; Hereditary cancer-predisposing syndrome. Last evaluated: 2022-09-12. Review status: criteria provided, single submitter. Criteria: Ambry Variant Classification Scheme 2023. Collection method: clinical testing. Allele origin: germline.
Comment: The c.4004delA pathogenic mutation, located in coding exon 30 of the NF1 gene, results from a deletion of one nucleotide at nucleotide position 4004, causing a translational frameshift with a predicted alternate stop codon (p.N1335Tfs*8). This alteration is expected to result in loss of function by premature protein truncation or nonsense-mediated mRNA decay. As such, this alteration is interpreted as a disease-causing mutation.

PreventionGenetics, part of Exact Sciences
Classification: Pathogenic for NF1-related condition. Last evaluated: 2024-08-29. Review status: no assertion criteria provided. Collection method: clinical testing. Allele origin: germline. Not counted in ClinVar's aggregate classification.
Comment: The NF1 c.4004delA variant is predicted to result in a frameshift and premature protein termination (p.Asn1335Thrfs*8). To our knowledge, this variant has not been reported in the literature or in a large population database, indicating this variant is rare. In ClinVar, this variant has been interpreted as pathogenic. Frameshift variants in NF1 are expected to be pathogenic. This variant is interpreted as pathogenic.